The following is an entry in ClinVar:

ClinVar aggregate classification (germline): Uncertain significance. Review status: criteria provided, multiple submitters, no conflicts (2 of 4 stars). 2 submissions from 2 submitters: Uncertain significance (2). Last evaluated 2023-07-16.

Conditions:
Wolfram syndrome 1 (WFS1). Identifiers: Orphanet 3463, MedGen C4551693, MONDO:0009101, OMIM 222300.
WFS1-related disorder. Identifiers: MedGen CN379391, MONDO:0700293.

Allele frequency attached by ClinVar (database versions not stated): ExAC 0.00001.
gnomAD v4.1: 5 of 1,611,676 alleles (0.00031%); highest among the groups gnomAD compares: South Asian, 0.0055%; no homozygotes.

Submissions (2):

PreventionGenetics, part of Exact Sciences
Classification: Uncertain significance for WFS1-related condition. Last evaluated: 2023-07-16. Review status: criteria provided, single submitter. Criteria: ACMG Guidelines, 2015. Collection method: clinical testing. Allele origin: germline.
Comment: The WFS1 c.1439A>G variant is predicted to result in the amino acid substitution p.Tyr480Cys. To our knowledge, this variant has not been reported in the literature. This variant is reported in 0.0065% of alleles in individuals of South Asian descent in gnomAD. At this time, the clinical significance of this variant is uncertain due to the absence of conclusive functional and genetic evidence.

Neuberg Centre For Genomic Medicine, NCGM
Classification: Uncertain significance for Wolfram syndrome 1. Review status: criteria provided, single submitter. Criteria: ACMG Guidelines, 2015. Collection method: clinical testing. Allele origin: germline. Inheritance: Autosomal dominant inheritance. Affected: yes.

NM_006005.3(WFS1):c.1439A>G (p.Tyr480Cys)

Gene: WFS1 (wolframin ER transmembrane glycoprotein; plus strand). Cytogenetic location: 4p16.1.
Variant type: single nucleotide variant.
Coding change: c.1439A>G on transcript NM_006005.3 (MANE Select); coding-DNA position 1439, A replaced by G.
Protein change: p.Tyr480Cys; replaces tyrosine 480 with cysteine.
Molecular consequence: missense variant.
Genome position (GRCh38, 1-based): chr4:6,301,234, A>G. VCF-style: chr4-6301234-A-G. GRCh37 (hg19) VCF-style: chr4-6302961-A-G.
Other names: c.1439A>G, p.Tyr480Cys (NM_001145853.1); short protein forms Y480C.
Identifiers: ClinVar variation 2629482 (VCV002629482.2), dbSNP rs767187212, ClinGen allele CA2839351.